The following is an entry in ClinVar:

ClinVar aggregate classification (germline): Uncertain significance (1 of 4 stars; one submission).

Conditions:
Catecholaminergic polymorphic ventricular tachycardia 5 (CARDAR). Also called: Ventricular tachycardia, catecholaminergic polymorphic, 5, with or without muscle weakness; CARDIAC ARRHYTHMIA SYNDROME, WITH OR WITHOUT SKELETAL MUSCLE WEAKNESS. Identifiers: Orphanet 3286, MedGen C3809536, MONDO:0014191, OMIM 615441.

Allele frequency attached by ClinVar (database versions not stated): gnomAD 0.00001; gnomAD exomes 0.00001.
gnomAD v4.1: 10 of 1,611,306 alleles (0.00062%); highest among the groups gnomAD compares: South Asian, 0.0011%; no homozygotes.

Submission:

Victorian Clinical Genetics Services, Murdoch Childrens Research Institute
Classification: Uncertain significance for Catecholaminergic polymorphic ventricular tachycardia 5. Last evaluated: 2022-03-31. Review status: criteria provided, single submitter. Criteria: ACMG Guidelines, 2015. Collection method: clinical testing. Allele origin: germline. Inheritance: Autosomal recessive inheritance. Affected: yes.
Comment: Based on the classification scheme VCGS_Germline_v1.3.4, this variant is classified as VUS-3C. Following criteria are met: 0102 - Loss of function is a known mechanism of disease in this gene and is associated with ventricular tachycardia, catecholaminergic polymorphic, 5, with or without muscle weakness (MIM#615441). (I) 0106 - This gene is associated with autosomal recessive disease. (I) 0200 - Variant is predicted to result in a missense amino acid change from serine to proline. (I) 0251 - This variant is heterozygous. (I) 0302 - Variant is present in gnomAD (v3) <0.001 for a dominant condition (1 heterozygote, 0 homozygotes). (SP) 0309 - An alternative amino acid change at the same position has been observed in gnomAD (v3) (1 heterozygote, 0 homozygotes). (I) 0504 - Same amino acid change has been observed in placental mammals. (SB) 0604 - Variant is not located in an established domain, motif, hotspot or informative constraint region. (I) 0705 - No comparable missense variants have previous evidence for pathogenicity. (I) 0807 - This variant has no previous evidence of pathogenicity. (I) 0905 - No published segregation evidence has been identified for this variant. (I) 1007 - No published functional evidence has been identified for this variant. (I) 1208 - Inheritance information for this variant is not currently available in this individual. (I) Legend: (SP) - Supporting pathogenic, (I) - Information, (SB) - Supporting benign

NM_006073.4(TRDN):c.2146T>C (p.Ser716Pro)

Gene: TRDN (triadin; minus strand). Cytogenetic location: 6q22.31.
Variant type: single nucleotide variant.
Coding change: c.2146T>C on transcript NM_006073.4 (MANE Select); coding-DNA position 2146, T replaced by C.
Protein change: p.Ser716Pro; replaces serine 716 with proline.
Molecular consequence: missense variant.
Genome position (GRCh38, 1-based): chr6:123,218,645, A>G on the plus strand (T>C on the coding strand, the complement: TRDN is on the minus strand). VCF-style: chr6-123218645-A-G. GRCh37 (hg19) VCF-style: chr6-123539790-A-G.
Other names: short protein forms S716P.
Identifiers: ClinVar variation 1805411 (VCV001805411.1), dbSNP rs1775027466, ClinGen allele CA365564449.